The following is an entry in ClinVar:

NM_022081.6(HPS4):c.1000G>C (p.Glu334Gln)

Gene: HPS4 (HPS4 biogenesis of lysosomal organelles complex 3 subunit 2; minus strand). Cytogenetic location: 22q12.1.
Variant type: single nucleotide variant.
Coding change: c.1000G>C on transcript NM_022081.6 (MANE Select); coding-DNA position 1000, G replaced by C.
Protein change: p.Glu334Gln; replaces glutamic acid 334 with glutamine.
Molecular consequence: missense variant. On other transcripts: non-coding transcript variant (8).
Genome position (GRCh38, 1-based): chr22:26,464,630, C>G on the plus strand (G>C on the coding strand, the complement: HPS4 is on the minus strand). VCF-style: chr22-26464630-C-G. GRCh37 (hg19) VCF-style: chr22-26860596-C-G.
Other names: c.1000G>C, p.Glu334Gln (NM_001349898.2, NM_001349899.2, NM_001349902.1 and 5 more transcripts); c.1054G>C, p.Glu352Gln (NM_001349900.2, NM_001349901.1); c.985G>C, p.Glu329Gln (NM_152841.2); short protein forms E329Q, E334Q, E352Q.
Identifiers: ClinVar variation 3694785 (VCV003694785.2).

ClinVar aggregate classification (germline): Uncertain significance (1 of 4 stars; one submission).

gnomAD v4.1: 5 of 1,614,038 alleles (0.00031%); highest among the groups gnomAD compares: Non-Finnish European, 0.00042%; no homozygotes.

Submission:

Labcorp Genetics (formerly Invitae), Labcorp
Classification: Uncertain significance. Last evaluated: 2024-12-12. Review status: criteria provided, single submitter. Criteria: Invitae Variant Classification Sherloc (09022015). Collection method: clinical testing. Allele origin: germline.
Comment: This sequence change replaces glutamic acid, which is acidic and polar, with glutamine, which is neutral and polar, at codon 334 of the HPS4 protein (p.Glu334Gln). This variant is present in population databases (no rsID available, gnomAD 0.0009%). This variant has not been reported in the literature in individuals affected with HPS4-related conditions. An algorithm developed to predict the effect of missense changes on protein structure and function (PolyPhen-2) suggests that this variant is likely to be disruptive. In summary, the available evidence is currently insufficient to determine the role of this variant in disease. Therefore, it has been classified as a Variant of Uncertain Significance.